The following is an entry in ClinVar:

ClinVar aggregate classification (germline): Conflicting classifications of pathogenicity. Review status: criteria provided, conflicting classifications (1 of 4 stars). 3 submissions from 3 submitters: Pathogenic (1); Likely pathogenic (1); Uncertain significance (1). Last evaluated 2025-10-01.

Allele frequency attached by ClinVar (database versions not stated): ExAC 0.00001; gnomAD 0.00001; TOPMed 0.00001; 1000 Genomes Project 30x 0.00016; 1000 Genomes Project 0.00020.
gnomAD v4.1: 8 of 1,613,346 alleles (0.0005%); highest among the groups gnomAD compares: Admixed American, 0.005%; no homozygotes.

Submissions (3):

Mayo Clinic Laboratories, Mayo Clinic
Classification: Likely pathogenic. Last evaluated: 2025-10-01. Review status: criteria provided, single submitter. Criteria: ACMG Guidelines, 2015. Collection method: clinical testing. Allele origin: germline. Observed: 2 variant alleles.
Comment: PM2_supporting, PM3, PVS1_strong

Revvity Omics, Revvity
Classification: Pathogenic. Last evaluated: 2024-09-09. Review status: criteria provided, single submitter. Criteria: ACMG Guidelines, 2015. Collection method: clinical testing. Allele origin: germline.

Labcorp Genetics (formerly Invitae), Labcorp
Classification: Uncertain significance. Last evaluated: 2024-08-16. Review status: criteria provided, single submitter. Criteria: Invitae Variant Classification Sherloc (09022015). Collection method: clinical testing. Allele origin: germline.
Comment: This sequence change creates a premature translational stop signal (p.Arg559*) in the PKLR gene. While this is not anticipated to result in nonsense mediated decay, it is expected to disrupt the last 16 amino acid(s) of the PKLR protein. This variant is present in population databases (rs532230312, gnomAD 0.01%). This premature translational stop signal has been observed in individual(s) with pyruvate kinase deficiency (PMID: 9827908, 34201899, 36892591). ClinVar contains an entry for this variant (Variation ID: 2437900). In summary, the available evidence is currently insufficient to determine the role of this variant in disease. Therefore, it has been classified as a Variant of Uncertain Significance.

Literature cited by the submitters: PubMed 31401766 (cited by Mayo Clinic Laboratories, Mayo Clinic); PubMed 38811201 (cited by Mayo Clinic Laboratories, Mayo Clinic); PubMed 9827908 (cited by Mayo Clinic Laboratories, Mayo Clinic and Labcorp Genetics (formerly Invitae), Labcorp); PubMed 34201899 (cited by Labcorp Genetics (formerly Invitae), Labcorp); PubMed 36892591 (cited by Labcorp Genetics (formerly Invitae), Labcorp).

NM_000298.6(PKLR):c.1675C>T (p.Arg559Ter)

Gene: PKLR (pyruvate kinase L/R; minus strand). Cytogenetic location: 1q22.
Variant type: single nucleotide variant.
Coding change: c.1675C>T on transcript NM_000298.6 (MANE Select); coding-DNA position 1675, C replaced by T.
Protein change: p.Arg559Ter; replaces arginine 559 with a stop codon.
Molecular consequence: nonsense.
Genome position (GRCh38, 1-based): chr1:155,290,622, G>A on the plus strand (C>T on the coding strand, the complement: PKLR is on the minus strand). VCF-style: chr1-155290622-G-A. GRCh37 (hg19) VCF-style: chr1-155260413-G-A.
Other names: p.Arg559*; c.1582C>T, p.Arg528Ter (NM_181871.4); short protein forms R528*, R559*.
Identifiers: ClinVar variation 2437900 (VCV002437900.6), dbSNP rs532230312, ClinGen allele CA1143927.